The following is an entry in ClinVar:

ClinVar aggregate classification (germline): Conflicting classifications of pathogenicity. Review status: criteria provided, conflicting classifications (1 of 4 stars). 9 submissions from 9 submitters: Uncertain significance (8); Likely benign (1). Last evaluated 2026-01-19.

Conditions:
Familial temporal lobe epilepsy 7. Identifiers: Orphanet 101046, MedGen C4225327, MONDO:0014639, OMIM 616436.
Norman-Roberts syndrome (LIS2). Also called: Lissencephaly 2 (Norman-Roberts type). Identifiers: Orphanet 89844, MedGen C0796089, MONDO:0009760, OMIM 257320.
Epilepsy, familial temporal lobe, 1. Identifiers: Orphanet 101046, MedGen CN030884, MONDO:0700090, OMIM 600512.

Allele frequency attached by ClinVar (database versions not stated): ESP Exome Variant Server 0.00008; TOPMed 0.00009; gnomAD 0.00011 and 0.00013; gnomAD exomes 0.00017 and 0.00023; ExAC 0.00025; 1000 Genomes Project 30x 0.00031; 1000 Genomes Project 0.00040.
gnomAD v4.1: 357 of 1,613,632 alleles (0.022%); highest among the groups gnomAD compares: Non-Finnish European, 0.027%; no homozygotes.

Submissions (9):

Labcorp Genetics (formerly Invitae), Labcorp
Classification: Likely benign for Familial temporal lobe epilepsy 7; Norman-Roberts syndrome. Last evaluated: 2026-01-19. Review status: criteria provided, single submitter. Criteria: Invitae Variant Classification Sherloc (09022015). Collection method: clinical testing. Allele origin: germline.

ARUP Laboratories, Molecular Genetics and Genomics, ARUP Laboratories
Classification: Uncertain significance. Last evaluated: 2025-07-17. Review status: criteria provided, single submitter. Criteria: ARUP Molecular Germline Variant Investigation Process 2024. Collection method: clinical testing. Allele origin: germline.

Blueprint Genetics
Classification: Uncertain significance. Last evaluated: 2024-10-22. Review status: criteria provided, single submitter. Criteria: ACMG Guidelines, 2015. Collection method: clinical testing. Allele origin: germline.

GeneDx
Classification: Uncertain significance. Last evaluated: 2022-02-09. Review status: criteria provided, single submitter. Criteria: GeneDx Variant Classification Process June 2021. Collection method: clinical testing. Allele origin: germline. Affected: yes.
Comment: In silico analysis supports that this missense variant does not alter protein structure/function; Has not been previously published as pathogenic or benign to our knowledge

Mayo Clinic Laboratories, Mayo Clinic
Classification: Uncertain significance. Last evaluated: 2019-11-11. Review status: criteria provided, single submitter. Criteria: ACMG Guidelines, 2015. Collection method: clinical testing. Allele origin: germline. Observed: 1 variant allele.

CeGaT Center for Human Genetics Tuebingen
Classification: Uncertain significance. Last evaluated: 2019-05-01. Review status: criteria provided, single submitter. Criteria: CeGaT Center For Human Genetics Tuebingen Variant Classification Criteria Version 2. Collection method: clinical testing. Allele origin: germline. Affected: yes. Observed: 3 variant alleles.

Fulgent Genetics
Classification: Uncertain significance for Norman-Roberts syndrome; Epilepsy, familial temporal lobe, 1; Familial temporal lobe epilepsy 7. Last evaluated: 2018-10-31. Review status: criteria provided, single submitter. Criteria: ACMG Guidelines, 2015. Collection method: clinical testing. Allele origin: unknown.

Athena Diagnostics
Classification: Uncertain significance. Last evaluated: 2018-01-15. Review status: criteria provided, single submitter. Criteria: Athena Diagnostics Criteria. Collection method: clinical testing. Allele origin: germline.

Illumina Laboratory Services, Illumina
Classification: Uncertain significance for Norman-Roberts syndrome. Last evaluated: 2018-01-12. Review status: criteria provided, single submitter. Criteria: ICSL Variant Classification Criteria 13 December 2019. Collection method: clinical testing. Allele origin: germline.

NM_005045.4(RELN):c.1336G>C (p.Glu446Gln)

Genes: RELN (reelin; minus strand), LOC126860131 (MED14-independent group 3 enhancer GRCh37_chr7:103301048-103302247; plus strand). Cytogenetic location: 7q22.1.
Variant type: single nucleotide variant.
Coding change: c.1336G>C on transcript NM_005045.4 (MANE Select); coding-DNA position 1336, G replaced by C.
Protein change: p.Glu446Gln; replaces glutamic acid 446 with glutamine.
Molecular consequence: missense variant.
Genome position (GRCh38, 1-based): chr7:103,661,481, C>G on the plus strand (G>C on the coding strand, the complement: RELN is on the minus strand). VCF-style: chr7-103661481-C-G. GRCh37 (hg19) VCF-style: chr7-103301928-C-G.
Other names: c.1336G>C, p.Glu446Gln (NM_173054.3); short protein forms E446Q.
Identifiers: ClinVar variation 542574 (VCV000542574.63), dbSNP rs56146903, ClinGen allele CA4422291.
Genomic context (GRCh38, chr7:103,661,481, plus strand): 5'-TGGATGGAGTGCATAATTTCCTCTCTCCATCTTTGAGGAAGACCATTGATAAGCCTGATT[C>G]TATCGTTCCACATTCTGTACCAATGACAGCTCCCAAGACATCCCATCTAAAAAAAAAGGG-3'
Protein context (NP_005036.2, residues 436-456): AVIGTECGTI[Glu446Gln]SGLSMVFLKD